The following is an entry in ClinVar:

ClinVar aggregate classification (germline): Conflicting classifications of pathogenicity. Review status: criteria provided, conflicting classifications (1 of 4 stars). 5 submissions from 5 submitters: Uncertain significance (1); Benign (2); Likely benign (1). 1 of the submissions does not count toward it. Last evaluated 2025-11-11.

Conditions:
Exostoses, multiple, type 2 (EXT2). Also called: Hereditary Multiple Osteochondromatosis, Type II; EXOSTOSES, MULTIPLE, TYPE II. Identifiers: Orphanet 321, MedGen C1851413, MONDO:0007586, OMIM 133701.

Allele frequency attached by ClinVar (database versions not stated): gnomAD 0.00001 and 0.00028; gnomAD exomes 0.00040 and 0.00086; ExAC 0.00105; 1000 Genomes Project 30x 0.00265; 1000 Genomes Project 0.00280; TOPMed 0.00006; ESP Exome Variant Server 0.00008.
gnomAD v4.1: 622 of 1,614,242 alleles (0.039%); highest among the groups gnomAD compares: South Asian, 0.63%; 3 homozygotes.

Submissions (5):

Labcorp Genetics (formerly Invitae), Labcorp
Classification: Benign for Exostoses, multiple, type 2. Last evaluated: 2025-11-11. Review status: criteria provided, single submitter. Criteria: Invitae Variant Classification Sherloc (09022015). Collection method: clinical testing. Allele origin: germline.

Blueprint Genetics
Classification: Likely benign. Last evaluated: 2024-10-17. Review status: criteria provided, single submitter. Criteria: ACMG Guidelines, 2015. Collection method: clinical testing. Allele origin: germline.

Illumina Laboratory Services, Illumina
Classification: Benign for Exostoses, multiple, type 2. Last evaluated: 2018-01-13. Review status: criteria provided, single submitter. Criteria: ICSL Variant Classification Criteria 13 December 2019. Collection method: clinical testing. Allele origin: germline.
Comment: This variant was observed in the ICSL laboratory as part of a predisposition screen in an ostensibly healthy population. It had not been previously curated by ICSL or reported in the Human Gene Mutation Database (HGMD: prior to June 1st, 2018), and was therefore a candidate for classification through an automated scoring system. Utilizing variant allele frequency, disease prevalence and penetrance estimates, and inheritance mode, an automated score was calculated to assess if this variant is too frequent to cause the disease. Based on the score and internal cut-off values, a variant classified as benign is not then subjected to further curation. The score for this variant resulted in a classification of benign for this disease.

Eurofins Ntd Llc (ga)
Classification: Uncertain significance. Last evaluated: 2014-07-17. Review status: criteria provided, single submitter. Criteria: EGL Classification Definitions 2015. Collection method: clinical testing. Allele origin: germline. Observed: 2 variant alleles, 2 heterozygotes.

ITMI
No classification provided. Condition: AllHighlyPenetrant. Last evaluated: 2013-09-19. Review status: no classification provided. Collection method: reference population. Allele origin: germline. Not counted in ClinVar's aggregate classification.
Comment: Please see associated publication for description of ethnicities

Literature cited by the submitters: PubMed 24728327 (cited by ITMI).

NM_207122.2(EXT2):c.1123A>G (p.Ser375Gly)

Gene: EXT2 (exostosin glycosyltransferase 2; plus strand). Cytogenetic location: 11p11.2.
Variant type: single nucleotide variant.
Coding change: c.1123A>G on transcript NM_207122.2 (MANE Select); coding-DNA position 1123, A replaced by G.
Protein change: p.Ser375Gly; replaces serine 375 with glycine.
Molecular consequence: missense variant.
Genome position (GRCh38, 1-based): chr11:44,130,088, A>G. VCF-style: chr11-44130088-A-G. GRCh37 (hg19) VCF-style: chr11-44151638-A-G.
Other names: c.1222A>G, p.Ser408Gly (NM_000401.3); c.1123A>G, p.Ser375Gly (NM_001178083.3, NM_001389628.1, NM_001389630.1); short protein forms S375G, S408G.
Identifiers: ClinVar variation 134216 (VCV000134216.19), dbSNP rs369029338, ClinGen allele CA159166.